The following is an entry in ClinVar:

ClinVar aggregate classification (germline): Likely benign. Review status: criteria provided, multiple submitters, no conflicts (2 of 4 stars). 2 submissions from 2 submitters: Likely benign (2). Last evaluated 2024-02-25.

Allele frequency attached by ClinVar (database versions not stated): gnomAD below 0.00001 and 0.00003; TOPMed 0.00001; gnomAD exomes 0.00007 and 0.00013; 1000 Genomes Project 30x 0.00016; ExAC 0.00018; 1000 Genomes Project 0.00020.
gnomAD v4.1: 109 of 1,614,120 alleles (0.0068%); highest among the groups gnomAD compares: South Asian, 0.12%; no homozygotes.

Submissions (2):

Labcorp Genetics (formerly Invitae), Labcorp
Classification: Likely benign. Last evaluated: 2024-02-25. Review status: criteria provided, single submitter. Criteria: Invitae Variant Classification Sherloc (09022015). Collection method: clinical testing. Allele origin: germline.

Laboratory for Molecular Medicine, Mass General Brigham Personalized Medicine
Classification: Likely benign. Last evaluated: 2017-12-14. Review status: criteria provided, single submitter. Criteria: LMM Criteria. Collection method: clinical testing. Allele origin: germline. Observed: 1 variant allele.
Comment: p.Arg773Arg in exon 28 of COL4A4: This variant is not expected to have clinical significance because it does not alter an amino acid residue and is not located within the splice consensus sequence. It has been identified in 0.1% (33/30778) of South Asian chromosomes by the Genome Aggregation Database (gnomAD; dbSNP rs200920187).

NM_000092.5(COL4A4):c.2319G>A (p.Arg773=)

Gene: COL4A4 (collagen type IV alpha 4 chain; minus strand). Cytogenetic location: 2q36.3.
Variant type: single nucleotide variant.
Coding change: c.2319G>A on transcript NM_000092.5 (MANE Select); coding-DNA position 2319, G replaced by A.
Protein change: p.Arg773=; no amino-acid change (arginine 773 retained).
Molecular consequence: synonymous variant.
Genome position (GRCh38, 1-based): chr2:227,059,469, C>T on the plus strand (G>A on the coding strand, the complement: COL4A4 is on the minus strand). VCF-style: chr2-227059469-C-T. GRCh37 (hg19) VCF-style: chr2-227924185-C-T.
Identifiers: ClinVar variation 517581 (VCV000517581.15), dbSNP rs200920187, ClinGen allele CA2144837.